The following is an entry in ClinVar:

NM_004360.5(CDH1):c.2520del (p.Glu841fs)

Gene: CDH1 (cadherin 1; plus strand). Cytogenetic location: 16q22.1.
Variant type: Deletion.
Coding change: c.2520del on transcript NM_004360.5 (MANE Select); coding-DNA position 2520, one base deleted (C; older notation c.2520delC).
Protein change: p.Glu841fs; shifts the reading frame from glutamic acid 841.
Molecular consequence: frameshift variant.
Genome position (GRCh38, 1-based): chr16:68,833,370, C deleted; the last of 2 consecutive C bases (chr16:68,833,369-68,833,370); deleting either gives the same sequence. VCF-style (leftmost placement, unchanged base first): chr16-68833368-TC-T. GRCh37 (hg19) VCF-style: chr16-68867271-TC-T.
Other names: c.2337del, p.Glu780fs (NM_001317184.2); c.972del, p.Glu325fs (NM_001317185.2); c.555del, p.Glu186fs (NM_001317186.2); short protein forms E186fs, E325fs, E780fs, E841fs.
Identifiers: ClinVar variation 2503013 (VCV002503013.1), dbSNP rs2543964831, ClinGen allele CA2580612837.

ClinVar aggregate classification (germline): Likely pathogenic (1 of 4 stars; one submission).

Conditions:
Hereditary diffuse gastric adenocarcinoma (HDGC). Also called: DIFFUSE GASTRIC AND LOBULAR BREAST CANCER SYNDROME. Identifiers: Orphanet 26106, MedGen C1708349, MONDO:0007648, OMIM 137215.

Submission:

European Reference Network on Genetic Tumour Risk Syndromes (ERN-GENTURIS), i3s - Instituto de Investigação e Inovação em Saúde, University of Porto
Classification: Likely pathogenic for Hereditary diffuse gastric adenocarcinoma. Last evaluated: 2022-08-01. Review status: criteria provided, single submitter. Criteria: Lee et al. (Hum Mutat. 2018). Collection method: clinical testing. Allele origin: germline. Inheritance: Autosomal dominant inheritance. Affected: yes. Study: ERN GENTURIS.
Comment: PVS1_Moderate; PS4_Supporting; PM2 (PMID: 30311375)

Literature cited by the submitters: PubMed 36436516.